The following is an entry in ClinVar:

NM_000535.7(PMS2):c.1027del (p.Ile343fs)

Gene: PMS2 (PMS1 homolog 2, mismatch repair system component; minus strand). Cytogenetic location: 7p22.1.
Variant type: Deletion.
Coding change: c.1027del on transcript NM_000535.7 (MANE Select); coding-DNA position 1027, one base deleted (A; older notation c.1027delA).
Protein change: p.Ile343fs; shifts the reading frame from isoleucine 343.
Molecular consequence: frameshift variant. On other transcripts: non-coding transcript variant (1), intron variant (2).
Genome position (GRCh38, 1-based): chr7:5,989,917, T deleted on the plus strand (A on the coding strand, the reverse complement: PMS2 is on the minus strand); the first of 3 consecutive T bases (chr7:5,989,917-5,989,919); deleting any one gives the same sequence. VCF-style (leftmost placement, unchanged base first): chr7-5989916-AT-A. GRCh37 (hg19) VCF-style: chr7-6029547-AT-A.
Other names: c.622del, p.Ile208fs (NM_001322003.2, NM_001322004.2, NM_001322005.2 and 1 more transcripts); c.709del, p.Ile237fs (NM_001322007.2, NM_001322008.2); c.94del, p.Ile32fs (NM_001322011.2, NM_001322012.2); c.454del, p.Ile152fs (NM_001322013.2); c.1027del, p.Ile343fs (NM_001322014.2); c.718del, p.Ile240fs (NM_001322015.2); c.583+2056del (NM_001322010.2); c.988+2056del (NM_001322006.2); short protein forms I152fs, I343fs, I208fs, I32fs, I237fs, I240fs.
Identifiers: ClinVar variation 574143 (VCV000574143.6), dbSNP rs1562644987, ClinGen allele CA891843332.

ClinVar aggregate classification (germline): Pathogenic (1 of 4 stars; one submission).

Conditions:
Hereditary nonpolyposis colorectal neoplasms. Identifiers: MedGen C0009405, MeSH D003123.

Submission:

Labcorp Genetics (formerly Invitae), Labcorp
Classification: Pathogenic for Hereditary nonpolyposis colorectal neoplasms. Last evaluated: 2018-03-25. Review status: criteria provided, single submitter. Criteria: Invitae Variant Classification Sherloc (09022015). Collection method: clinical testing. Allele origin: germline.
Comment: This variant has not been reported in the literature in individuals with PMS2-related disease. Loss-of-function variants in PMS2 are known to be pathogenic (PMID: 21376568, 24362816). For these reasons, this variant has been classified as Pathogenic. This variant is not present in population databases (ExAC no frequency). This sequence change creates a premature translational stop signal (p.Ile343Phefs*13) in the PMS2 gene. It is expected to result in an absent or disrupted protein product.

Literature cited by the submitters: PubMed 21376568; PubMed 24362816.